The following is an entry in ClinVar:

NM_024496.4(IRF2BPL):c.2036T>A (p.Leu679Gln)

Gene: IRF2BPL (interferon regulatory factor 2 binding protein like; minus strand). Cytogenetic location: 14q24.3.
Variant type: single nucleotide variant.
Coding change: c.2036T>A on transcript NM_024496.4 (MANE Select); coding-DNA position 2036, T replaced by A.
Protein change: p.Leu679Gln; replaces leucine 679 with glutamine.
Molecular consequence: missense variant.
Genome position (GRCh38, 1-based): chr14:77,025,757, A>T on the plus strand (T>A on the coding strand, the complement: IRF2BPL is on the minus strand). VCF-style: chr14-77025757-A-T. GRCh37 (hg19) VCF-style: chr14-77492100-A-T.
Other names: short protein forms L679Q.
Identifiers: ClinVar variation 3370832 (VCV003370832.1).

ClinVar aggregate classification (germline): Uncertain significance (1 of 4 stars; one submission).

Submission:

GeneDx
Classification: Uncertain significance. Last evaluated: 2024-03-14. Review status: criteria provided, single submitter. Criteria: GeneDx Variant Classification Process June 2021. Collection method: clinical testing. Allele origin: germline. Affected: yes.
Comment: Not observed at significant frequency in large population cohorts (gnomAD); In silico analysis supports that this missense variant does not alter protein structure/function; Has not been previously published as pathogenic or benign to our knowledge